The following is an entry in ClinVar:

ClinVar aggregate classification (germline): Uncertain significance (1 of 4 stars; one submission).

Submission:

Labcorp Genetics (formerly Invitae), Labcorp
Classification: Uncertain significance. Last evaluated: 2025-09-22. Review status: criteria provided, single submitter. Criteria: Invitae Variant Classification Sherloc (09022015). Collection method: clinical testing. Allele origin: germline.
Comment: This sequence change replaces valine, which is neutral and non-polar, with isoleucine, which is neutral and non-polar, at codon 134 of the EMC1 protein (p.Val134Ile). This variant is not present in population databases (gnomAD no frequency). This variant has not been reported in the literature in individuals affected with EMC1-related conditions. Invitae Evidence Modeling of protein sequence and biophysical properties (such as structural, functional, and spatial information, amino acid conservation, physicochemical variation, residue mobility, and thermodynamic stability) indicates that this missense variant is not expected to disrupt EMC1 protein function with a negative predictive value of 80%. In summary, the available evidence is currently insufficient to determine the role of this variant in disease. Therefore, it has been classified as a Variant of Uncertain Significance.

NM_015047.3(EMC1):c.400G>A (p.Val134Ile)

Gene: EMC1 (ER membrane protein complex subunit 1; minus strand). Cytogenetic location: 1p36.13.
Variant type: single nucleotide variant.
Coding change: c.400G>A on transcript NM_015047.3 (MANE Select); coding-DNA position 400, G replaced by A.
Protein change: p.Val134Ile; replaces valine 134 with isoleucine.
Molecular consequence: missense variant.
Genome position (GRCh38, 1-based): chr1:19,242,454, C>T on the plus strand (G>A on the coding strand, the complement: EMC1 is on the minus strand). VCF-style: chr1-19242454-C-T. GRCh37 (hg19) VCF-style: chr1-19568948-C-T.
Other names: c.400G>A, p.Val134Ile (NM_001271427.2, NM_001271428.2, NM_001375820.1 and 1 more transcripts); c.334G>A, p.Val112Ile (NM_001271429.2); short protein forms V112I, V134I.
Identifiers: ClinVar variation 4808003 (VCV004808003.1).